The following is an entry in ClinVar:

ClinVar aggregate classification (germline): Uncertain significance (1 of 4 stars; one submission).

Conditions:
Symmetrical dyschromatosis of extremities (DSH). Also called: DYSCHROMATOSIS SYMMETRICA HEREDITARIA 1; RETICULATE ACROPIGMENTATION OF DOHI; SYMMETRIC DYSCHROMATOSIS OF THE EXTREMITIES; Dyschromatosis symmetrica hereditaria. Identifiers: Orphanet 41, MedGen C0406775, MONDO:0007483, OMIM 127400.
Aicardi-Goutieres syndrome 6 (AGS6). Identifiers: Orphanet 51, MedGen C3539013, MONDO:0014007, OMIM 615010.

Submission:

Labcorp Genetics (formerly Invitae), Labcorp
Classification: Uncertain significance for Aicardi-Goutieres syndrome 6; Symmetrical dyschromatosis of extremities. Last evaluated: 2023-08-21. Review status: criteria provided, single submitter. Criteria: Invitae Variant Classification Sherloc (09022015). Collection method: clinical testing. Allele origin: germline.
Comment: This variant has not been reported in the literature in individuals affected with ADAR-related conditions. This sequence change replaces histidine, which is basic and polar, with arginine, which is basic and polar, at codon 642 of the ADAR protein (p.His642Arg). This variant is present in population databases (no rsID available, gnomAD 0.004%). Advanced modeling of protein sequence and biophysical properties (such as structural, functional, and spatial information, amino acid conservation, physicochemical variation, residue mobility, and thermodynamic stability) has been performed at Invitae for this missense variant, however the output from this modeling did not meet the statistical confidence thresholds required to predict the impact of this variant on ADAR protein function. In summary, the available evidence is currently insufficient to determine the role of this variant in disease. Therefore, it has been classified as a Variant of Uncertain Significance.

NM_001111.5(ADAR):c.1925A>G (p.His642Arg)

Gene: ADAR (adenosine deaminase RNA specific; minus strand). Cytogenetic location: 1q21.3.
Variant type: single nucleotide variant.
Coding change: c.1925A>G on transcript NM_001111.5 (MANE Select); coding-DNA position 1925, A replaced by G.
Protein change: p.His642Arg; replaces histidine 642 with arginine.
Molecular consequence: missense variant.
Genome position (GRCh38, 1-based): chr1:154,597,837, T>C on the plus strand (A>G on the coding strand, the complement: ADAR is on the minus strand). VCF-style: chr1-154597837-T-C. GRCh37 (hg19) VCF-style: chr1-154570313-T-C.
Other names: c.1925A>G, p.His642Arg (NM_015841.4, NM_015840.4); c.1040A>G, p.His347Arg (NM_001025107.3, NM_001193495.2, NM_001365046.1 and 3 more transcripts); c.1952A>G, p.His651Arg (NM_001365045.1); short protein forms H642R, H651R, H347R.
Identifiers: ClinVar variation 2923060 (VCV002923060.3), dbSNP rs1305422513, ClinGen allele CA342638491.